The following is an entry in ClinVar:

ClinVar aggregate classification (germline): Pathogenic (1 of 4 stars; one submission).

Conditions:
Familial thoracic aortic aneurysm and aortic dissection (TAAD). Also called: Thoracic aortic aneurysms and dissections. Identifiers: Orphanet 91387, MedGen C4707243, MONDO:0019625.

Submission:

Labcorp Genetics (formerly Invitae), Labcorp
Classification: Pathogenic for Familial thoracic aortic aneurysm and aortic dissection. Last evaluated: 2023-04-28. Review status: criteria provided, single submitter. Criteria: Invitae Variant Classification Sherloc (09022015). Collection method: clinical testing. Allele origin: germline.
Comment: For these reasons, this variant has been classified as Pathogenic. This variant has not been reported in the literature in individuals affected with SMAD3-related conditions. This variant is not present in population databases (gnomAD no frequency). This sequence change creates a premature translational stop signal (p.Ile290Thrfs*52) in the SMAD3 gene. It is expected to result in an absent or disrupted protein product. Loss-of-function variants in SMAD3 are known to be pathogenic (PMID: 21778426, 24804794).

Literature cited by the submitters: PubMed 21778426; PubMed 24804794.

NM_005902.4(SMAD3):c.867_868dup (p.Ile290fs)

Gene: SMAD3 (SMAD family member 3; plus strand). Cytogenetic location: 15q22.33.
Variant type: Microsatellite.
Coding change: c.867_868dup on transcript NM_005902.4 (MANE Select); coding-DNA positions 867 to 868, 2 bases duplicated (CA; older notation c.867_868dupCA).
Protein change: p.Ile290fs; shifts the reading frame from isoleucine 290.
Molecular consequence: frameshift variant.
Genome position (GRCh38, 1-based): chr15:67,181,449-67,181,450, CA duplicated; duplicating any 2 consecutive bases within chr15:67,181,446-67,181,450 gives the same sequence; the c. name uses the placement nearest the transcript's 3' end. VCF-style (leftmost placement, unchanged base first): chr15-67181445-G-GAC. GRCh37 (hg19) VCF-style: chr15-67473783-G-GAC.
Other names: c.552_553dup, p.Ile185fs (NM_001145102.2, NM_001407016.1); c.735_736dup, p.Ile246fs (NM_001145103.2, NM_001407012.1); c.282_283dup, p.Ile95fs (NM_001145104.2, NM_001407017.1); c.867_868dup, p.Ile290fs (NM_001407011.1, NM_001407013.1); c.720_721dup, p.Ile241fs (NM_001407014.1); c.420_421dup, p.Ile141fs (NM_001407015.1); short protein forms I185fs, I246fs, I241fs, I95fs, I141fs, I290fs.
Identifiers: ClinVar variation 2829634 (VCV002829634.3), dbSNP rs2505285001, ClinGen allele CA2739269520.